The following is an entry in ClinVar:

NC_000007.13:g.(6031689_6035164)_(6037055_6038738)del

Gene: PMS2 (PMS1 homolog 2, mismatch repair system component; minus strand). Cytogenetic location: 7p22.1.
Variant type: Deletion.
Identifiers: ClinVar variation 1804690 (VCV001804690.1).

ClinVar aggregate classification (germline): Likely pathogenic (1 of 4 stars; one submission).

Conditions:
Hereditary nonpolyposis colon cancer (HNPCC). Also called: Hereditary Nonpolyposis Colorectal Cancer Syndrome; Hereditary nonpolyposis colorectal cancer; Familial nonpolyposis colon cancer. Identifiers: Orphanet 443909, MedGen C1333990, MONDO:0018630. Disease mechanism: loss of function.

Submission:

Women's Health and Genetics/Laboratory Corporation of America, LabCorp
Classification: Likely pathogenic for Hereditary nonpolyposis colon cancer. Last evaluated: 2022-11-10. Review status: criteria provided, single submitter. Criteria: LabCorp Variant Classification Summary - May 2015. Collection method: clinical testing. Allele origin: germline.
Comment: Variant summary: The variant identified by MLPA or other technology involves the deletion of exons 7-8 in the PMS2 gene. A presumed nomenclature of c.(705+1_706-1)_(903+1_904-1)del has been designated for the purposes of this classification. Although exact breakpoints of this deletion are not known, it is expected to result in a large in-frame deletion change in the PMS2 gene (predicted as p.(Leu236_Lys301del)). The variant was absent in 21694 control chromosomes (gnomAD SVs, Structural Variants dataset). c.(705+1_706-1)_(903+1_904-1)del has been reported in the literature in individuals affected with constitutional mismatch repair deficiency syndrome (Chmara_2013, Lavoine_2015). These data indicate that the variant may be associated with disease. To our knowledge, no experimental evidence demonstrating an impact on protein function has been reported. No clinical diagnostic laboratories have submitted clinical-significance assessments for this variant to ClinVar after 2014. Based on the evidence outlined above, the variant was classified as likely pathogenic.

Literature cited by the submitters: PubMed 23629955; PubMed 26318770.